The following is an entry in ClinVar:

ClinVar aggregate classification (germline): Pathogenic. Review status: criteria provided, single submitter (1 of 4 stars). 2 submissions from 1 submitter: Pathogenic (2). Last evaluated 2016-01-01.

Conditions:
Hypoprebetalipoproteinemia, acanthocytosis, retinitis pigmentosa, and pallidal degeneration. Identifiers: MedGen C1846582, MONDO:0011798.
Neurodegeneration. Also called: Neurodegenerative disease; Neurodegenerative illness; neurodegenerative disorder. Identifiers: MedGen C0027746, MONDO:0005559, HP:0002180.

Submissions (2):

Centre for Mendelian Genomics, University Medical Centre Ljubljana
Classification: Pathogenic for Pigmentary pallidal degeneration. Last evaluated: 2016-01-01. Review status: criteria provided, single submitter. Criteria: ACMG Guidelines, 2015. Collection method: clinical testing. Allele origin: unknown. Affected: yes.
Comment: This variant was classified as: Pathogenic.

Centre for Mendelian Genomics, University Medical Centre Ljubljana
Classification: Pathogenic for Neurodegeneration. Last evaluated: 2015-04-01. Review status: criteria provided, single submitter. Criteria: ACMG Guidelines, 2015. Collection method: clinical testing. Allele origin: unknown. Affected: yes.

NM_001386393.1(PANK2):c.564G>A (p.Met188Ile)

Gene: PANK2 (pantothenate kinase 2; plus strand). Cytogenetic location: 20p13.
Variant type: single nucleotide variant.
Coding change: c.564G>A on transcript NM_001386393.1 (MANE Select); coding-DNA position 564, G replaced by A.
Protein change: p.Met188Ile; replaces methionine 188 with isoleucine.
Molecular consequence: missense variant. On other transcripts: intron variant (1).
Genome position (GRCh38, 1-based): chr20:3,908,191, G>A. VCF-style: chr20-3908191-G-A. GRCh37 (hg19) VCF-style: chr20-3888838-G-A.
Other names: c.21G>A, p.Met7Ile (NM_001324191.2, NM_024960.6, NM_153640.4); c.894G>A, p.Met298Ile (NM_001324192.1, NM_153638.4); c.-328+56G>A (NM_001324193.2); short protein forms M298I, M7I, M188I.
Identifiers: ClinVar variation 374126 (VCV000374126.4), dbSNP rs1057518915, ClinGen allele CA16043564.